The following is an entry in ClinVar:

ClinVar aggregate classification (germline): Uncertain significance (1 of 4 stars; one submission).

Conditions:
Hereditary cancer-predisposing syndrome. Also called: Neoplastic Syndromes, Hereditary; Hereditary neoplastic syndrome; Tumor predisposition; Hereditary Cancer Syndrome. Identifiers: Orphanet 140162, MedGen C0027672, MeSH D009386, MONDO:0015356.

Submission:

Ambry Genetics
Classification: Uncertain significance for Hereditary cancer-predisposing syndrome. Last evaluated: 2015-04-30. Review status: criteria provided, single submitter. Criteria: Ambry Variant Classification Scheme 2023. Collection method: clinical testing. Allele origin: germline.
Comment: The c.9166delG variant, located in coding exon 62 of the ATM gene, results from a deletion of one nucleotide at nucleotide position 9166, causing a translational frameshift with a predicted alternate stop codon (p.V3056Cfs*19). This alteration occurs at the 3' terminus of the ATM gene, is not expected to trigger nonsense-mediated mRNAdecay and results in the elongation of the protein by 19 amino acids. This frameshift impacts the lastamino acid of the native protein. The exact functional effect of the altered amino acids is unknown. Since supporting evidence is limited at this time, the clinical significance of this alteration remains unclear.

NM_000051.4(ATM):c.9166del (p.Val3056fs)

Genes: ATM (ATM serine/threonine kinase; plus strand), C11orf65 (chromosome 11 open reading frame 65; minus strand). Cytogenetic location: 11q22.3.
Variant type: Deletion.
Coding change: c.9166del on transcript NM_000051.4 (MANE Select); coding-DNA position 9166, one base deleted (G; older notation c.9166delG).
Protein change: p.Val3056fs; shifts the reading frame from valine 3056.
Molecular consequence: frameshift variant. On other transcripts: intron variant (2).
Genome position (GRCh38, 1-based): chr11:108,365,503, G deleted; the last of 3 consecutive G bases (chr11:108,365,501-108,365,503); deleting any one gives the same sequence. VCF-style (leftmost placement, unchanged base first): chr11-108365500-TG-T. GRCh37 (hg19) VCF-style: chr11-108236227-TG-T.
Other names: c.9166del, p.Val3056fs (NM_001351834.2); c.640+20419del (NM_001330368.2); c.694+20419del (NM_001351110.2); short protein forms V3056fs.
Identifiers: ClinVar variation 231572 (VCV000231572.7), dbSNP rs876659234, ClinGen allele CA10579344.